The following is an entry in ClinVar:

NM_020937.4(FANCM):c.4719G>A (p.Met1573Ile)

Gene: FANCM (FA complementation group M; plus strand). Cytogenetic location: 14q21.2.
Variant type: single nucleotide variant.
Coding change: c.4719G>A on transcript NM_020937.4 (MANE Select); coding-DNA position 4719, G replaced by A.
Protein change: p.Met1573Ile; replaces methionine 1573 with isoleucine.
Molecular consequence: missense variant.
Genome position (GRCh38, 1-based): chr14:45,187,827, G>A. VCF-style: chr14-45187827-G-A. GRCh37 (hg19) VCF-style: chr14-45657030-G-A.
Other names: c.4641G>A, p.Met1547Ile (NM_001308133.2); short protein forms M1547I, M1573I.
Identifiers: ClinVar variation 3370890 (VCV003370890.1).
Genomic context (GRCh38, chr14:45,187,827, plus strand): 5'-TTATCTTTACACAGATTCTGAAATGAGAGCTATTTACATGAAATCTTTGCGTAGTCCAAT[G>A]ATGAACAATAAGTACAAAATGATTCATAAGACACATAAAAACATAAACATTTTCTCGCAG-3'
Protein context (NP_065988.1, residues 1563-1583): AIYMKSLRSP[Met1573Ile]MNNKYKMIHK

ClinVar aggregate classification (germline): Uncertain significance (1 of 4 stars; one submission).

Submission:

GeneDx
Classification: Uncertain significance. Last evaluated: 2024-03-12. Review status: criteria provided, single submitter. Criteria: GeneDx Variant Classification Process June 2021. Collection method: clinical testing. Allele origin: germline. Affected: yes.
Comment: Not observed at significant frequency in large population cohorts (gnomAD); In silico analysis supports that this missense variant does not alter protein structure/function; Has not been previously published as pathogenic or benign to our knowledge